The following is an entry in ClinVar:

NM_001111125.3(IQSEC2):c.3002A>G (p.Asn1001Ser)

Gene: IQSEC2 (IQ motif and Sec7 domain ArfGEF 2; minus strand). Cytogenetic location: Xp11.22.
Variant type: single nucleotide variant.
Coding change: c.3002A>G on transcript NM_001111125.3 (MANE Select); coding-DNA position 3002, A replaced by G.
Protein change: p.Asn1001Ser; replaces asparagine 1001 with serine.
Molecular consequence: missense variant.
Genome position (GRCh38, 1-based): chrX:53,241,797, T>C on the plus strand (A>G on the coding strand, the complement: IQSEC2 is on the minus strand). VCF-style: chrX-53241797-T-C. GRCh37 (hg19) VCF-style: chrX-53270979-T-C.
Other names: c.3002A>G, p.Asn1001Ser (NM_001410736.1); c.2387A>G, p.Asn796Ser (NM_015075.2); short protein forms N1001S, N796S.
Identifiers: ClinVar variation 2841629 (VCV002841629.3), dbSNP rs2519731713, ClinGen allele CA413148660.
Genomic context (GRCh38, chrX:53,241,797, plus strand): 5'-TCAAGCTCACTCTCTCCCTCCCATCTCCTCCCCCACAGTGCTCATACCACAAGGAGATCA[T>C]TGAAGAGGAAGACCTCCCGCTGATGCAACCCTAGCCTCTGGGGGCGGTTTGGATCTGGCA-3'
Protein context (NP_001104595.1, residues 991-1011): GLHQREVFLF[Asn1001Ser]DLLVVTKIFQ

ClinVar aggregate classification (germline): Uncertain significance (1 of 4 stars; one submission).

Conditions:
Intellectual developmental disorder, X-linked 1. Also called: Atkin Flaitz Patil Smith syndrome; Intellectual disability, X-linked 1; MENTAL RETARDATION, X-LINKED 18; MENTAL RETARDATION, X-LINKED 78. Identifiers: Orphanet 777, MedGen C2931498, MONDO:0010656, OMIM 309530.

Allele frequency attached by ClinVar (database versions not stated): gnomAD exomes below 0.00001.
gnomAD v4.1: 1 of 1,211,589 alleles (0.000083%); highest among the groups gnomAD compares: Non-Finnish European, 0.00011%; no homozygotes.

Submission:

Labcorp Genetics (formerly Invitae), Labcorp
Classification: Uncertain significance for Intellectual developmental disorder, X-linked 1. Last evaluated: 2024-01-29. Review status: criteria provided, single submitter. Criteria: Invitae Variant Classification Sherloc (09022015). Collection method: clinical testing. Allele origin: germline.
Comment: This sequence change replaces asparagine, which is neutral and polar, with serine, which is neutral and polar, at codon 1001 of the IQSEC2 protein (p.Asn1001Ser). This variant is not present in population databases (gnomAD no frequency). This variant has not been reported in the literature in individuals affected with IQSEC2-related conditions. Advanced modeling of protein sequence and biophysical properties (such as structural, functional, and spatial information, amino acid conservation, physicochemical variation, residue mobility, and thermodynamic stability) has been performed at Invitae for this missense variant, however the output from this modeling did not meet the statistical confidence thresholds required to predict the impact of this variant on IQSEC2 protein function. In summary, the available evidence is currently insufficient to determine the role of this variant in disease. Therefore, it has been classified as a Variant of Uncertain Significance.